The following is an entry in ClinVar:

NM_004563.4(PCK2):c.764G>A (p.Gly255Asp)

Genes: NRL (neural retina leucine zipper; minus strand), PCK2 (phosphoenolpyruvate carboxykinase 2, mitochondrial; plus strand). Cytogenetic location: 14q11.2.
Variant type: single nucleotide variant.
Coding change: c.764G>A on transcript NM_004563.4 (MANE Select); coding-DNA position 764, G replaced by A.
Protein change: p.Gly255Asp; replaces glycine 255 with aspartic acid.
Molecular consequence: missense variant. On other transcripts: intron variant (3).
Genome position (GRCh38, 1-based): chr14:24,099,148, G>A. VCF-style: chr14-24099148-G-A. GRCh37 (hg19) VCF-style: chr14-24568357-G-A.
Other names: c.764G>A, p.Gly255Asp (NM_001018073.3); c.362G>A, p.Gly121Asp (NM_001291556.2, NM_001308054.2); c.-28+15574C>T (NM_001354768.3, NM_001354770.2); c.-253-14403C>T (NM_006177.5); short protein forms G255D, G121D.
Identifiers: ClinVar variation 2032543 (VCV002032543.4), dbSNP rs2502639171, ClinGen allele CA389198388.

ClinVar aggregate classification (germline): Uncertain significance (1 of 4 stars; one submission).

Submission:

Labcorp Genetics (formerly Invitae), Labcorp
Classification: Uncertain significance. Last evaluated: 2022-09-25. Review status: criteria provided, single submitter. Criteria: Invitae Variant Classification Sherloc (09022015). Collection method: clinical testing. Allele origin: germline.
Comment: This variant is not present in population databases (gnomAD no frequency). This variant has not been reported in the literature in individuals affected with PCK2-related conditions. Advanced modeling of protein sequence and biophysical properties (such as structural, functional, and spatial information, amino acid conservation, physicochemical variation, residue mobility, and thermodynamic stability) performed at Invitae indicates that this missense variant is expected to disrupt PCK2 protein function. In summary, the available evidence is currently insufficient to determine the role of this variant in disease. Therefore, it has been classified as a Variant of Uncertain Significance. This sequence change replaces glycine, which is neutral and non-polar, with aspartic acid, which is acidic and polar, at codon 255 of the PCK2 protein (p.Gly255Asp).